The following is an entry in ClinVar:

ClinVar aggregate classification (germline): Likely pathogenic (1 of 4 stars; one submission).

Submission:

Mayo Clinic Laboratories, Mayo Clinic
Classification: Likely pathogenic. Last evaluated: 2022-10-14. Review status: criteria provided, single submitter. Criteria: ACMG Guidelines, 2015. Collection method: clinical testing. Allele origin: germline. Observed: 2 variant alleles.
Comment: PM2_supporting, PVS1

Literature cited by the submitters: PubMed 23431072.

NM_001009944.3(PKD1):c.7615del (p.Leu2539fs)

Gene: PKD1 (polycystin 1, transient receptor potential channel interacting; minus strand). Cytogenetic location: 16p13.3.
Variant type: Deletion.
Coding change: c.7615del on transcript NM_001009944.3 (MANE Select); coding-DNA position 7615, one base deleted (C; older notation c.7615delC).
Protein change: p.Leu2539fs; shifts the reading frame from leucine 2539.
Molecular consequence: frameshift variant.
Genome position (GRCh38, 1-based): chr16:2,106,179, G deleted on the plus strand (C on the coding strand, the reverse complement: PKD1 is on the minus strand). VCF-style (leftmost placement, unchanged base first): chr16-2106178-AG-A. GRCh37 (hg19) VCF-style: chr16-2156179-AG-A.
Other names: p.Leu2539Cysfs*81; c.7615del, p.Leu2539fs (NM_000296.4); short protein forms L2539fs.
Identifiers: ClinVar variation 2683673 (VCV002683673.1), dbSNP rs2544777760, ClinGen allele CA2697549588.
Genomic context (GRCh38, chr16:2,106,178, plus strand): 5'-AGCTGGTCCTGCACCACCACGGCCAGGCCCACCTCGAAGTGTGGCCTGAAACCCGGGGGC[AG>A]CACGGCTCCGTAGCTGGAGAGGCTGCCCTTGTAGACACAGAACTCCTCGCAGTGGCCCTG-3'